The following is an entry in ClinVar:

NC_000023.11:g.(?_32545159)_(32849820_?)del

Genes: MIR548F5 (microRNA 548f-5; minus strand), MIR3915 (microRNA 3915; minus strand), DMD (dystrophin; minus strand). Cytogenetic location: Xp21.1.
Variant type: Deletion.
Identifiers: ClinVar variation 417485 (VCV000417485.1).

ClinVar aggregate classification (germline): Pathogenic (1 of 4 stars; one submission).

Conditions:
Duchenne muscular dystrophy (DMD). Also called: MUSCULAR DYSTROPHY, PSEUDOHYPERTROPHIC PROGRESSIVE, DUCHENNE TYPE; Duchenne Muscular Dystrophy (DMD). Identifiers: Orphanet 98896, MedGen C0013264, MONDO:0010679, OMIM 310200.

Submission:

Labcorp Genetics (formerly Invitae), Labcorp
Classification: Pathogenic for Duchenne muscular dystrophy. Last evaluated: 2016-04-07. Review status: criteria provided, single submitter. Criteria: Invitae Variant Classification Sherloc (09022015). Collection method: clinical testing. Allele origin: germline.
Comment: This variant is a gross deletion of the genomic region encompassing exons 3-17 of the DMD gene. This creates a premature translational stop signal and is expected to result in an absent or disrupted protein product. Truncating variants in DMD are known to be pathogenic. This gross deletion has been reported in the literature in individuals affected with a DMD-related disease (PMID: 14977063, 16030524). For these reasons, this variant has been classified as Pathogenic.